The following is an entry in ClinVar:

ClinVar aggregate classification (germline): Uncertain significance. Review status: criteria provided, single submitter (1 of 4 stars). 2 submissions from 2 submitters: Uncertain significance (1). 1 of the submissions does not count toward it. Last evaluated 2023-02-22.

Conditions:
PLXNA3-related disorder. Also called: PLXNA3-related condition.

Allele frequency attached by ClinVar (database versions not stated): gnomAD exomes 0.00001; TOPMed 0.00001; gnomAD 0.00002; ExAC 0.00006.
gnomAD v4.1: 18 of 1,208,432 alleles (0.0015%); highest among the groups gnomAD compares: Admixed American, 0.0044%; no homozygotes.

Submissions (2):

Ambry Genetics
Classification: Uncertain significance. Last evaluated: 2023-02-22. Review status: criteria provided, single submitter. Criteria: Ambry Variant Classification Scheme 2023. Collection method: clinical testing. Allele origin: germline.

PreventionGenetics, part of Exact Sciences
Classification: Uncertain significance for PLXNA3-related condition. Last evaluated: 2024-08-19. Review status: no assertion criteria provided. Collection method: clinical testing. Allele origin: germline. Not counted in ClinVar's aggregate classification.
Comment: The PLXNA3 c.2099A>G variant is predicted to result in the amino acid substitution p.Gln700Arg. To our knowledge, this variant has not been reported in the literature. This variant is reported in 0.0074% of alleles in individuals of Latino descent in gnomAD. At this time, the clinical significance of this variant is uncertain due to the absence of conclusive functional and genetic evidence.

NM_017514.5(PLXNA3):c.2099A>G (p.Gln700Arg)

Gene: PLXNA3 (plexin A3; plus strand). Cytogenetic location: Xq28.
Variant type: single nucleotide variant.
Coding change: c.2099A>G on transcript NM_017514.5 (MANE Select); coding-DNA position 2099, A replaced by G.
Protein change: p.Gln700Arg; replaces glutamine 700 with arginine.
Molecular consequence: missense variant.
Genome position (GRCh38, 1-based): chrX:154,465,073, A>G. VCF-style: chrX-154465073-A-G. GRCh37 (hg19) VCF-style: chrX-153693416-A-G.
Other names: short protein forms Q700R.
Identifiers: ClinVar variation 2472664 (VCV002472664.5), dbSNP rs781965411, ClinGen allele CA10564275.